The following is an entry in ClinVar:

ClinVar aggregate classification (germline): Uncertain significance (1 of 4 stars; one submission).

gnomAD v4.1: 3 of 1,613,210 alleles (0.00019%); highest among the groups gnomAD compares: African/African-American, 0.004%; no homozygotes.

Submission:

GeneDx
Classification: Uncertain significance. Last evaluated: 2024-04-05. Review status: criteria provided, single submitter. Criteria: GeneDx Variant Classification Process June 2021. Collection method: clinical testing. Allele origin: germline. Affected: yes.
Comment: Not observed at significant frequency in large population cohorts (gnomAD); In silico analysis supports that this missense variant has a deleterious effect on protein structure/function; Has not been previously published as pathogenic or benign to our knowledge

NM_006922.4(SCN3A):c.256A>C (p.Asn86His)

Gene: SCN3A (sodium voltage-gated channel alpha subunit 3; minus strand). Cytogenetic location: 2q24.3.
Variant type: single nucleotide variant.
Coding change: c.256A>C on transcript NM_006922.4 (MANE Select); coding-DNA position 256, A replaced by C.
Protein change: p.Asn86His; replaces asparagine 86 with histidine.
Molecular consequence: missense variant.
Genome position (GRCh38, 1-based): chr2:165,176,139, T>G on the plus strand (A>C on the coding strand, the complement: SCN3A is on the minus strand). VCF-style: chr2-165176139-T-G. GRCh37 (hg19) VCF-style: chr2-166032649-T-G.
Other names: c.256A>C, p.Asn86His (NM_001081676.2, NM_001081677.2); short protein forms N86H.
Identifiers: ClinVar variation 3361652 (VCV003361652.1).